The following is an entry in ClinVar:

NM_006939.4(SOS2):c.1068+5G>A

Gene: SOS2 (SOS Ras/Rho guanine nucleotide exchange factor 2; minus strand). Cytogenetic location: 14q21.3.
Variant type: single nucleotide variant.
Coding change: c.1068+5G>A on transcript NM_006939.4 (MANE Select); 5 bases into the intron after coding-DNA position 1068, G replaced by A.
Molecular consequence: intron variant.
Genome position (GRCh38, 1-based): chr14:50,174,449, C>T on the plus strand (G>A on the coding strand, the complement: SOS2 is on the minus strand). VCF-style: chr14-50174449-C-T. GRCh37 (hg19) VCF-style: chr14-50641167-C-T.
Other names: c.969+6123G>A (NM_001411020.1).
Identifiers: ClinVar variation 4711514 (VCV004711514.1).

ClinVar aggregate classification (germline): Uncertain significance (1 of 4 stars; one submission).

Conditions:
Noonan syndrome 9 (NS9). Identifiers: Orphanet 648, MedGen C4225282, MONDO:0014691, OMIM 616559.

gnomAD v4.1: 3 of 1,540,744 alleles (0.00019%); highest among the groups gnomAD compares: Non-Finnish European, 0.00027%; no homozygotes.

Submission:

Labcorp Genetics (formerly Invitae), Labcorp
Classification: Uncertain significance for Noonan syndrome 9. Last evaluated: 2025-02-20. Review status: criteria provided, single submitter. Criteria: Invitae Variant Classification Sherloc (09022015). Collection method: clinical testing. Allele origin: germline.
Comment: This sequence change falls in intron 8 of the SOS2 gene. It does not directly change the encoded amino acid sequence of the SOS2 protein. It affects a nucleotide within the consensus splice site. This variant is not present in population databases (gnomAD no frequency). This variant has not been reported in the literature in individuals affected with SOS2-related conditions. Variants that disrupt the consensus splice site are a relatively common cause of aberrant splicing (PMID: 17576681, 9536098). Algorithms developed to predict the effect of sequence changes on RNA splicing suggest that this variant is not likely to affect RNA splicing. In summary, the available evidence is currently insufficient to determine the role of this variant in disease. Therefore, it has been classified as a Variant of Uncertain Significance.

Literature cited by the submitters: PubMed 17576681; PubMed 9536098.